The following is an entry in ClinVar:

NM_002470.4(MYH3):c.4752C>T (p.Ile1584=)

Gene: MYH3 (myosin heavy chain 3; minus strand). Cytogenetic location: 17p13.1.
Variant type: single nucleotide variant.
Coding change: c.4752C>T on transcript NM_002470.4 (MANE Select); coding-DNA position 4752, C replaced by T.
Protein change: p.Ile1584=; no amino-acid change (isoleucine 1584 retained).
Molecular consequence: synonymous variant.
Genome position (GRCh38, 1-based): chr17:10,632,680, G>A on the plus strand (C>T on the coding strand, the complement: MYH3 is on the minus strand). VCF-style: chr17-10632680-G-A. GRCh37 (hg19) VCF-style: chr17-10535997-G-A.
Identifiers: ClinVar variation 886927 (VCV000886927.42), dbSNP rs189005323, ClinGen allele CA8392135.

ClinVar aggregate classification (germline): Conflicting classifications of pathogenicity. Review status: criteria provided, conflicting classifications (1 of 4 stars). 4 submissions from 3 submitters: Uncertain significance (1); Likely benign (3). Last evaluated 2025-09-09.

Conditions:
Freeman-Sheldon syndrome (DA2A). Also called: WHISTLING FACE-WINDMILL VANE HAND SYNDROME; Arthrogryposis, distal, type 2A (Freeman-Sheldon); CRANIOCARPOTARSAL DYSPLASIA; CRANIOCARPOTARSAL DYSTROPHY. Identifiers: Orphanet 2053, MedGen C0265224, MONDO:0008675, OMIM 193700.
Distal arthrogryposis type 2B1 (DA2B1). Also called: Arthrogryposis multiplex congenita distal type II with craniofacial abnormalities. Identifiers: Orphanet 1147, MedGen C5193014, MONDO:0020820, OMIM 601680.

Allele frequency attached by ClinVar (database versions not stated): gnomAD 0.00003 and 0.00004; TOPMed 0.00003; ExAC 0.00007; 1000 Genomes Project 0.00040; 1000 Genomes Project 30x 0.00047.
gnomAD v4.1: 120 of 1,614,092 alleles (0.0074%); highest among the groups gnomAD compares: Non-Finnish European, 0.0096%; no homozygotes.

Submissions (4):

Labcorp Genetics (formerly Invitae), Labcorp
Classification: Likely benign. Last evaluated: 2025-09-09. Review status: criteria provided, single submitter. Criteria: Invitae Variant Classification Sherloc (09022015). Collection method: clinical testing. Allele origin: germline.

CeGaT Center for Human Genetics Tuebingen
Classification: Likely benign. Last evaluated: 2021-10-01. Review status: criteria provided, single submitter. Criteria: CeGaT Center For Human Genetics Tuebingen Variant Classification Criteria Version 2. Collection method: clinical testing. Allele origin: germline. Affected: yes. Observed: 1 variant allele.

Illumina Laboratory Services, Illumina
Classification: Likely benign for Freeman-Sheldon syndrome. Last evaluated: 2018-01-13. Review status: criteria provided, single submitter. Criteria: ICSL Variant Classification Criteria 13 December 2019. Collection method: clinical testing. Allele origin: germline.
Comment: This variant was observed in the ICSL laboratory as part of a predisposition screen in an ostensibly healthy population. It had not been previously curated by ICSL or reported in the Human Gene Mutation Database (HGMD: prior to June 1st, 2018), and was therefore a candidate for classification through an automated scoring system. Utilizing variant allele frequency, disease prevalence and penetrance estimates, and inheritance mode, an automated score was calculated to assess if this variant is too frequent to cause the disease. Based on the score and internal cut-off values, a variant classified as likely benign is not then subjected to further curation. The score for this variant resulted in a classification of likely benign for this disease.

Illumina Laboratory Services, Illumina
Classification: Uncertain significance for Distal arthrogryposis type 2B1. Last evaluated: 2018-01-13. Review status: criteria provided, single submitter. Criteria: ICSL Variant Classification Criteria 13 December 2019. Collection method: clinical testing. Allele origin: germline.